The following is an entry in ClinVar:

ClinVar aggregate classification (germline): Benign/Likely benign. Review status: criteria provided, multiple submitters, no conflicts (2 of 4 stars). 3 submissions from 3 submitters: Benign (1); Likely benign (2). Last evaluated 2025-06-10.

Conditions:
Hereditary cancer-predisposing syndrome. Also called: Hereditary neoplastic syndrome; Neoplastic Syndromes, Hereditary; Hereditary Cancer Syndrome; Tumor predisposition. Identifiers: Orphanet 140162, MedGen C0027672, MeSH D009386, MONDO:0015356.
Hereditary leiomyomatosis and renal cell cancer. Also called: MULTIPLE CUTANEOUS AND UTERINE LEIOMYOMATA 1, WITH OR WITHOUT RENAL CELL CARCINOMA; LEIOMYOMA, MULTIPLE CUTANEOUS; Familial leiomyomatosis; Multiple cutaneous leiomyomas; FH tumor predisposition syndrome; Reed syndrome. Identifiers: Orphanet 523, MedGen C1708350, MONDO:0007888, OMIM 150800, HP:0007437. Disease mechanism: loss of function.

Allele frequency attached by ClinVar (database versions not stated): gnomAD exomes below 0.00001; TOPMed 0.00001.
gnomAD v4.1: 9 of 1,614,220 alleles (0.00056%); highest among the groups gnomAD compares: Middle Eastern, 0.017%; no homozygotes.

Submissions (3):

Labcorp Genetics (formerly Invitae), Labcorp
Classification: Likely benign. Last evaluated: 2025-06-10. Review status: criteria provided, single submitter. Criteria: Invitae Variant Classification Sherloc (09022015). Collection method: clinical testing. Allele origin: germline.

Myriad Genetics, Inc.
Classification: Benign for Hereditary leiomyomatosis and renal cell cancer. Last evaluated: 2024-10-21. Review status: criteria provided, single submitter. Criteria: Myriad Autosomal Dominant, Autosomal Recessive and X-Linked Classification Criteria (2023). Collection method: clinical testing. Allele origin: unknown.
Comment: This variant is considered benign. This variant is a silent/synonymous amino acid change and it is not expected to impact splicing.

Ambry Genetics
Classification: Likely benign for Hereditary cancer-predisposing syndrome. Last evaluated: 2022-03-02. Review status: criteria provided, single submitter. Criteria: Ambry Variant Classification Scheme 2023. Collection method: clinical testing. Allele origin: germline.

NM_000143.4(FH):c.1066T>C (p.Leu356=)

Gene: FH (fumarate hydratase; minus strand). Cytogenetic location: 1q43.
Variant type: single nucleotide variant.
Coding change: c.1066T>C on transcript NM_000143.4 (MANE Select); coding-DNA position 1066, T replaced by C.
Protein change: p.Leu356=; no amino-acid change (leucine 356 retained).
Molecular consequence: synonymous variant.
Genome position (GRCh38, 1-based): chr1:241,504,084, A>G on the plus strand (T>C on the coding strand, the complement: FH is on the minus strand). VCF-style: chr1-241504084-A-G. GRCh37 (hg19) VCF-style: chr1-241667384-A-G.
Identifiers: ClinVar variation 529831 (VCV000529831.12), dbSNP rs1157405003, ClinGen allele CA424075751.
Genomic context (GRCh38, chr1:241,504,084, plus strand): 5'-TACTAGCTATGTGATTACCTGGCATGATACTGCTTCCTGGTTCATTTTCAGGCAAGATCA[A>G]TTCTCCCAGACCTGACCGAGGACCAGAACCCAAAAATCGAATATCATTTGCTATCTTCAT-3'
Protein context (NP_000134.2, residues 346-366): GSGPRSGLGE[Leu356=]ILPENEPGSS